The following is an entry in ClinVar:

ClinVar aggregate classification (germline): Likely pathogenic (1 of 4 stars; one submission).

Conditions:
Ullrich congenital muscular dystrophy 1C (UCMD1C). Identifiers: MedGen C5935583, MONDO:0958236, OMIM 620728.
Dystonia 27 (DYT27). Identifiers: Orphanet 464440, MedGen C4225336, MONDO:0014627, OMIM 616411.
Bethlem myopathy 1C (BTHLM1C). Identifiers: MedGen C5935581, MONDO:0958234, OMIM 620726.

Submission:

Juno Genomics, Hangzhou Juno Genomics, Inc
Classification: Likely pathogenic for Bethlem myopathy 1C; Ullrich congenital muscular dystrophy 1C; Dystonia 27. Review status: criteria provided, single submitter. Criteria: ACMG Guidelines, 2015. Collection method: clinical testing. Allele origin: germline.
Comment: Null variant in a gene where loss of function (LOF) is a known mechanism of disease.;Absent from controls (or at extremely low frequency if recessive) in Genome Aggregation Database.

NM_004369.4(COL6A3):c.838C>T (p.Arg280Ter)

Gene: COL6A3 (collagen type VI alpha 3 chain; minus strand). Cytogenetic location: 2q37.3.
Variant type: single nucleotide variant.
Coding change: c.838C>T on transcript NM_004369.4 (MANE Select); coding-DNA position 838, C replaced by T.
Protein change: p.Arg280Ter; replaces arginine 280 with a stop codon.
Molecular consequence: nonsense. On other transcripts: intron variant (2).
Genome position (GRCh38, 1-based): chr2:237,388,056, G>A on the plus strand (C>T on the coding strand, the complement: COL6A3 is on the minus strand). VCF-style: chr2-237388056-G-A. GRCh37 (hg19) VCF-style: chr2-238296699-G-A.
Other names: c.220C>T, p.Arg74Ter (NM_057165.5, NM_057167.4); c.92-6557C>T (NM_057166.5, NM_057164.5); short protein forms R280*, R74*.
Identifiers: ClinVar variation 5006255 (VCV005006255.2).